The following is an entry in ClinVar:

NM_005720.4(ARPC1B):c.781G>T (p.Ala261Ser)

Gene: ARPC1B (actin related protein 2/3 complex subunit 1B; plus strand). Cytogenetic location: 7q22.1.
Variant type: single nucleotide variant.
Coding change: c.781G>T on transcript NM_005720.4 (MANE Select); coding-DNA position 781, G replaced by T.
Protein change: p.Ala261Ser; replaces alanine 261 with serine.
Molecular consequence: missense variant.
Genome position (GRCh38, 1-based): chr7:99,391,251, G>T. VCF-style: chr7-99391251-G-T. GRCh37 (hg19) VCF-style: chr7-98988874-G-T.
Other names: short protein forms A261S.
Identifiers: ClinVar variation 1354086 (VCV001354086.8), dbSNP rs2150896500, ClinGen allele CA368325727.

ClinVar aggregate classification (germline): Uncertain significance (1 of 4 stars; one submission).

Submission:

Labcorp Genetics (formerly Invitae), Labcorp
Classification: Uncertain significance. Last evaluated: 2021-05-16. Review status: criteria provided, single submitter. Criteria: Invitae Variant Classification Sherloc (09022015). Collection method: clinical testing. Allele origin: germline.
Comment: In summary, the available evidence is currently insufficient to determine the role of this variant in disease. Therefore, it has been classified as a Variant of Uncertain Significance. Algorithms developed to predict the effect of missense changes on protein structure and function (SIFT, PolyPhen-2, Align-GVGD) all suggest that this variant is likely to be tolerated, but these predictions have not been confirmed by published functional studies and their clinical significance is uncertain. This variant has not been reported in the literature in individuals with ARPC1B-related conditions. This variant is not present in population databases (ExAC no frequency). This sequence change replaces alanine with serine at codon 261 of the ARPC1B protein (p.Ala261Ser). The alanine residue is highly conserved and there is a moderate physicochemical difference between alanine and serine.